The following is an entry in ClinVar:

ClinVar aggregate classification (germline): Uncertain significance (1 of 4 stars; one submission).

Conditions:
Dilated cardiomyopathy 1KK (CMD1KK). Identifiers: Orphanet 154, Orphanet 75249, MedGen C3714995, MONDO:0014100, OMIM 615248.

Submission:

Labcorp Genetics (formerly Invitae), Labcorp
Classification: Uncertain significance for Dilated cardiomyopathy 1KK. Last evaluated: 2022-08-09. Review status: criteria provided, single submitter. Criteria: Invitae Variant Classification Sherloc (09022015). Collection method: clinical testing. Allele origin: germline.
Comment: Algorithms developed to predict the effect of missense changes on protein structure and function output the following: SIFT: "Tolerated"; PolyPhen-2: "Benign"; Align-GVGD: "Class C0". The arginine amino acid residue is found in multiple mammalian species, which suggests that this missense change does not adversely affect protein function. In summary, the available evidence is currently insufficient to determine the role of this variant in disease. Therefore, it has been classified as a Variant of Uncertain Significance. This sequence change replaces lysine, which is basic and polar, with arginine, which is basic and polar, at codon 234 of the MYPN protein (p.Lys234Arg). This variant is not present in population databases (gnomAD no frequency). This variant has not been reported in the literature in individuals affected with MYPN-related conditions. ClinVar contains an entry for this variant (Variation ID: 1477641).

NM_032578.4(MYPN):c.701A>G (p.Lys234Arg)

Gene: MYPN (myopalladin; plus strand). Cytogenetic location: 10q21.3.
Variant type: single nucleotide variant.
Coding change: c.701A>G on transcript NM_032578.4 (MANE Select); coding-DNA position 701, A replaced by G.
Protein change: p.Lys234Arg; replaces lysine 234 with arginine.
Molecular consequence: missense variant. On other transcripts: 5 prime UTR variant (1), non-coding transcript variant (1).
Genome position (GRCh38, 1-based): chr10:68,122,139, A>G. VCF-style: chr10-68122139-A-G. GRCh37 (hg19) VCF-style: chr10-69881896-A-G.
Other names: c.701A>G, p.Lys234Arg (NM_001256267.2); c.-422A>G (NM_001256268.2); short protein forms K234R.
Identifiers: ClinVar variation 1477641 (VCV001477641.8), dbSNP rs2133995953, ClinGen allele CA377104937.